The following is an entry in ClinVar:

NM_001291303.3(FAT4):c.7103C>T (p.Ala2368Val)

Gene: FAT4 (FAT atypical cadherin 4; plus strand). Cytogenetic location: 4q28.1.
Variant type: single nucleotide variant.
Coding change: c.7103C>T on transcript NM_001291303.3 (MANE Select); coding-DNA position 7103, C replaced by T.
Protein change: p.Ala2368Val; replaces alanine 2368 with valine.
Molecular consequence: missense variant.
Genome position (GRCh38, 1-based): chr4:125,434,329, C>T. VCF-style: chr4-125434329-C-T. GRCh37 (hg19) VCF-style: chr4-126355484-C-T.
Other names: c.7103C>T, p.Ala2368Val (NM_001291285.3, NM_024582.6); short protein forms A2368V.
Identifiers: ClinVar variation 1492834 (VCV001492834.3), dbSNP rs116568645, ClinGen allele CA358135228.

ClinVar aggregate classification (germline): Uncertain significance (1 of 4 stars; one submission).

gnomAD v4.1: 2 of 1,613,942 alleles (0.00012%); highest among the groups gnomAD compares: East Asian, 0.0022%; no homozygotes.

Submission:

Labcorp Genetics (formerly Invitae), Labcorp
Classification: Uncertain significance. Last evaluated: 2021-12-10. Review status: criteria provided, single submitter. Criteria: Invitae Variant Classification Sherloc (09022015). Collection method: clinical testing. Allele origin: germline.
Comment: This sequence change replaces alanine, which is neutral and non-polar, with valine, which is neutral and non-polar, at codon 2368 of the FAT4 protein (p.Ala2368Val). This variant is not present in population databases (gnomAD no frequency). This variant has not been reported in the literature in individuals affected with FAT4-related conditions. Advanced modeling of protein sequence and biophysical properties (such as structural, functional, and spatial information, amino acid conservation, physicochemical variation, residue mobility, and thermodynamic stability) performed at Invitae indicates that this missense variant is not expected to disrupt FAT4 protein function. In summary, the available evidence is currently insufficient to determine the role of this variant in disease. Therefore, it has been classified as a Variant of Uncertain Significance.